The following is an entry in ClinVar:

NM_001080467.3(MYO5B):c.1350dup (p.Glu451Ter)

Gene: MYO5B (myosin VB; minus strand). Cytogenetic location: 18q21.1.
Variant type: Duplication.
Coding change: c.1350dup on transcript NM_001080467.3 (MANE Select); coding-DNA position 1350, one base duplicated (T; older notation c.1350dupT).
Protein change: p.Glu451Ter; replaces glutamic acid 451 with a stop codon.
Molecular consequence: nonsense.
Genome position (GRCh38, 1-based): chr18:49,963,003, A duplicated on the plus strand (T on the coding strand, the reverse complement: MYO5B is on the minus strand); the first of 3 consecutive A bases (chr18:49,963,003-49,963,005); duplicating any one gives the same sequence. VCF-style (leftmost placement, unchanged base first): chr18-49963002-C-CA. GRCh37 (hg19) VCF-style: chr18-47489372-C-CA.
Other names: short protein forms E451*.
Identifiers: ClinVar variation 4845331 (VCV004845331.2).

ClinVar aggregate classification (germline): Pathogenic (1 of 4 stars; one submission).

Conditions:
Congenital microvillous atrophy (DIAR2). Also called: Microvillus inclusion disease; Diarrhea 2 with microvillus atrophy, with or without cholestasis; CONGENITAL FAMILIAL PROTRACTED DIARRHEA WITH ENTEROCYTE BRUSH-BORDER ABNORMALITIES; DAVIDSON DISEASE; MICROVILLUS ATROPHY, CONGENITAL. Identifiers: Orphanet 2290, MedGen C0341306, MONDO:0009635, OMIM 251850.

Submission:

Victorian Clinical Genetics Services, Murdoch Childrens Research Institute
Classification: Pathogenic for Congenital microvillous atrophy. Last evaluated: 2026-03-08. Review status: criteria provided, single submitter. Criteria: ACMG Guidelines, 2015. Collection method: clinical testing. Allele origin: germline. Affected: yes.
Comment: This variant is classified as Pathogenic. Evidence in support of pathogenic classification: Variant is predicted to cause nonsense-mediated decay (NMD) and loss of protein (premature termination codon is located at least 54 nucleotides upstream of the final exon-exon junction); Variant is present in gnomAD <0.01 for a recessive condition (v4: 4 heterozygote(s), 0 homozygote(s)); Other NMD-predicted variant(s) comparable to the one identified in this case have very strong previous evidence for pathogenicity (DECIPHER). Additional information: This variant is heterozygous; This gene is associated with autosomal recessive disease; This variant has no previous evidence of pathogenicity; No published evidence of segregation with disease has been identified for this variant; No published functional evidence has been identified for this variant; Loss of function is a known mechanism of disease in this gene and is associated with cholestasis, progressive familial intrahepatic, 10 (MIM#619868) and diarrhoea 2, with microvillus atrophy, with or without cholestasis (MIM#251850); Heterozygous variant detected in trans with a second PATHOGENIC heterozygous variant (NM_001080467.3(MYO5B):c.3046C>T; p.(Arg1016*)) in a recessive disease.